The following is an entry in ClinVar:

ClinVar aggregate classification (germline): Uncertain significance. Review status: criteria provided, multiple submitters, no conflicts (2 of 4 stars). 2 submissions from 2 submitters: Uncertain significance (2). Last evaluated 2025-10-27.

Conditions:
Inborn genetic diseases. Identifiers: MedGen C0950123, MeSH D030342.

gnomAD v4.1: 52 of 1,525,858 alleles (0.0034%); highest among the groups gnomAD compares: Non-Finnish European, 0.004%; no homozygotes.

Submissions (2):

Labcorp Genetics (formerly Invitae), Labcorp
Classification: Uncertain significance. Last evaluated: 2025-10-27. Review status: criteria provided, single submitter. Criteria: Invitae Variant Classification Sherloc (09022015). Collection method: clinical testing. Allele origin: germline.
Comment: This sequence change replaces leucine, which is neutral and non-polar, with arginine, which is basic and polar, at codon 75 of the KCNQ5 protein (p.Leu75Arg). This variant is present in population databases (rs754289629, gnomAD 0.004%). This variant has not been reported in the literature in individuals affected with KCNQ5-related conditions. ClinVar contains an entry for this variant (Variation ID: 2955864). Invitae Evidence Modeling of protein sequence and biophysical properties (such as structural, functional, and spatial information, amino acid conservation, physicochemical variation, residue mobility, and thermodynamic stability) indicates that this missense variant is not expected to disrupt KCNQ5 protein function with a negative predictive value of 95%. In summary, the available evidence is currently insufficient to determine the role of this variant in disease. Therefore, it has been classified as a Variant of Uncertain Significance.

Ambry Genetics
Classification: Uncertain significance for Inborn genetic diseases. Last evaluated: 2025-07-02. Review status: criteria provided, single submitter. Criteria: Ambry Variant Classification Scheme 2023. Collection method: clinical testing. Allele origin: germline.

NM_019842.4(KCNQ5):c.224T>G (p.Leu75Arg)

Genes: KCNQ5 (potassium voltage-gated channel subfamily Q member 5; plus strand), KCNQ5-DT (KCNQ5 divergent transcript; minus strand). Cytogenetic location: 6q13.
Variant type: single nucleotide variant.
Coding change: c.224T>G on transcript NM_019842.4 (MANE Select); coding-DNA position 224, T replaced by G.
Protein change: p.Leu75Arg; replaces leucine 75 with arginine.
Molecular consequence: missense variant.
Genome position (GRCh38, 1-based): chr6:72,622,413, T>G. VCF-style: chr6-72622413-T-G. GRCh37 (hg19) VCF-style: chr6-73332141-T-G.
Other names: c.224T>G, p.Leu75Arg (NM_001160130.2, NM_001160132.2, NM_001160133.2 and 1 more transcripts); c.224T>G (NM_001160133.1); short protein forms L75R.
Identifiers: ClinVar variation 2955864 (VCV002955864.4), dbSNP rs754289629, ClinGen allele CA3886692.